The following is an entry in ClinVar:

ClinVar aggregate classification (germline): Uncertain significance (1 of 4 stars; one submission).

gnomAD v4.1: 5 of 1,613,386 alleles (0.00031%); highest among the groups gnomAD compares: Non-Finnish European, 0.00042%; no homozygotes.

Submission:

Mayo Clinic Laboratories, Mayo Clinic
Classification: Uncertain significance. Last evaluated: 2022-10-04. Review status: criteria provided, single submitter. Criteria: ACMG Guidelines, 2015. Collection method: clinical testing. Allele origin: germline. Observed: 1 variant allele.
Comment: BP4, PM2_supporting

NM_001267550.2(TTN):c.41098G>C (p.Val13700Leu)

Gene: TTN (titin; minus strand). Cytogenetic location: 2q31.2.
Variant type: single nucleotide variant.
Coding change: c.41098G>C on transcript NM_001267550.2 (MANE Select); coding-DNA position 41098, G replaced by C.
Protein change: p.Val13700Leu; replaces valine 13700 with leucine.
Molecular consequence: missense variant.
Genome position (GRCh38, 1-based): chr2:178,636,629, C>G on the plus strand (G>C on the coding strand, the complement: TTN is on the minus strand). VCF-style: chr2-178636629-C-G. GRCh37 (hg19) VCF-style: chr2-179501356-C-G.
Other names: p.Val12059Leu; c.36175G>C, p.Val12059Leu (NM_001256850.1); c.13903G>C, p.Val4635Leu (NM_003319.4); c.33394G>C, p.Val11132Leu (NM_133378.4); c.14278G>C, p.Val4760Leu (NM_133432.3); c.14479G>C, p.Val4827Leu (NM_133437.4); short protein forms V11132L, V12059L, V13700L, V4635L, V4760L, V4827L.
Identifiers: ClinVar variation 2682778 (VCV002682778.1), dbSNP rs748716483, ClinGen allele CA349661483.